The following is an entry in ClinVar:

ClinVar aggregate classification (germline): Likely benign. Review status: reviewed by expert panel (3 of 4 stars). 5 submissions from 5 submitters: Likely benign (1). 4 of the submissions do not count toward it. Last evaluated 2017-06-29.

Conditions:
Hereditary breast ovarian cancer syndrome. Also called: Hereditary breast and ovarian cancer syndrome; Hereditary breast and ovarian cancer syndrome (HBOC); BRCA1- and BRCA2-Associated Hereditary Breast and Ovarian Cancer; Breast and ovarian cancer; Hereditary breast and ovarian cancer; Hereditary breast and/or ovarian cancer syndrome. Identifiers: Orphanet 145, MedGen C0677776, MeSH D061325, MONDO:0003582. Disease mechanism: loss of function.
Hereditary cancer-predisposing syndrome. Also called: Hereditary Cancer Syndrome; Hereditary neoplastic syndrome; Tumor predisposition; Neoplastic Syndromes, Hereditary. Identifiers: Orphanet 140162, MedGen C0027672, MeSH D009386, MONDO:0015356.
Breast-ovarian cancer, familial, susceptibility to, 1 (BROVCA1). Also called: OVARIAN CANCER, SUSCEPTIBILITY TO; BRCA1 Hereditary Breast and Ovarian Cancer. Identifiers: Orphanet 145, MedGen C2676676, MONDO:0011450, OMIM 604370. Disease mechanism: loss of function.

Submissions (6):

Evidence-based Network for the Interpretation of Germline Mutant Alleles (ENIGMA)
Classification: Likely benign for Breast-ovarian cancer, familial, susceptibility to, 1. Last evaluated: 2017-06-29. Review status: reviewed by expert panel. Criteria: ENIGMA BRCA1/2 Classification Criteria (2017-06-29). Collection method: curation. Allele origin: germline.
Comment: Synonymous substitution variant, with low bioinformatic likelihood to result in a splicing aberration (Splicing prior probability 0.02).

Ambry Genetics
Classification: Likely benign for Hereditary cancer-predisposing syndrome. Last evaluated: 2022-06-17. Review status: criteria provided, single submitter. Criteria: Ambry Variant Classification Scheme 2023. Collection method: clinical testing. Allele origin: germline. Not counted in ClinVar's aggregate classification.

Labcorp Genetics (formerly Invitae), Labcorp
Classification: Likely benign for Hereditary breast ovarian cancer syndrome. Last evaluated: 2021-06-07. Review status: criteria provided, single submitter. Criteria: Invitae Variant Classification Sherloc (09022015). Collection method: clinical testing. Allele origin: germline. Not counted in ClinVar's aggregate classification.

Quest Diagnostics Nichols Institute San Juan Capistrano
Classification: Likely benign. Last evaluated: 2020-01-11. Review status: criteria provided, single submitter. Criteria: Quest Diagnostics criteria. Collection method: clinical testing. Allele origin: unknown. Not counted in ClinVar's aggregate classification.

Women's Health and Genetics/Laboratory Corporation of America, LabCorp
Classification: Likely benign. Last evaluated: 2019-08-21. Review status: criteria provided, single submitter. Criteria: LabCorp Variant Classification Summary - May 2015. Collection method: clinical testing. Allele origin: germline. Not counted in ClinVar's aggregate classification.

Brotman Baty Institute, University of Washington
No classification provided (evidence only). Condition: Breast-ovarian cancer, familial 1. Review status: no classification provided. Collection method: in vitro. Allele origin: not applicable. Functional consequence: functionally_normal. Not counted in ClinVar's aggregate classification.
ClinVar note: "not provided" was previously submitted as the classification for the variant. However, the classification appeared to be based only on an observation of functional data so it was converted to no classification on 2025-07-30.

NM_007294.4(BRCA1):c.4971G>A (p.Leu1657=)

Gene: BRCA1 (BRCA1 DNA repair associated; minus strand). Cytogenetic location: 17q21.31.
Variant type: single nucleotide variant.
Coding change: c.4971G>A on transcript NM_007294.4 (MANE Select); coding-DNA position 4971, G replaced by A.
Protein change: p.Leu1657=; no amino-acid change (leucine 1657 retained).
Molecular consequence: synonymous variant. On other transcripts: intron variant (1).
Genome position (GRCh38, 1-based): chr17:43,070,943, C>T on the plus strand (G>A on the coding strand, the complement: BRCA1 is on the minus strand). VCF-style: chr17-43070943-C-T. GRCh37 (hg19) VCF-style: chr17-41222960-C-T.
Other names: c.4824G>A, p.Leu1608= (NM_001407848.1, NM_001407849.1, NM_001407850.1 and 12 more transcripts); c.4971G>A, p.Leu1657= (NM_001407854.1, NM_001407593.1, NM_001407594.1 and 8 more transcripts); c.4968G>A, p.Leu1656= (NM_001407858.1, NM_001407859.1, NM_001407860.1 and 17 more transcripts); c.4965G>A, p.Leu1655= (NM_001407861.1, NM_001407627.1, NM_001407628.1 and 14 more transcripts); c.4770G>A, p.Leu1590= (NM_001407862.1); c.4845G>A, p.Leu1615= (NM_001407863.1, NM_001407939.1, NM_001407940.1 and 11 more transcripts); c.4764G>A, p.Leu1588= (NM_001407874.1, NM_001407875.1); c.4761G>A, p.Leu1587= (NM_001407879.1, NM_001407881.1, NM_001407882.1 and 5 more transcripts); and 71 more.
Identifiers: ClinVar variation 185288 (VCV000185288.22), dbSNP rs786202058, ClinGen allele CA003115.